The following is an entry in ClinVar:

ClinVar aggregate classification (germline): Uncertain significance (1 of 4 stars; one submission).

gnomAD v4.1: 9 of 1,613,094 alleles (0.00056%); highest among the groups gnomAD compares: Non-Finnish European, 0.00076%; no homozygotes.

Submission:

Labcorp Genetics (formerly Invitae), Labcorp
Classification: Uncertain significance. Last evaluated: 2022-07-19. Review status: criteria provided, single submitter. Criteria: Invitae Variant Classification Sherloc (09022015). Collection method: clinical testing. Allele origin: germline.
Comment: In summary, the available evidence is currently insufficient to determine the role of this variant in disease. Therefore, it has been classified as a Variant of Uncertain Significance. Algorithms developed to predict the effect of missense changes on protein structure and function are either unavailable or do not agree on the potential impact of this missense change (SIFT: "Deleterious"; PolyPhen-2: "Benign"; Align-GVGD: "Class C15"). ClinVar contains an entry for this variant (Variation ID: 1424824). This variant has not been reported in the literature in individuals affected with C2-related conditions. This variant is not present in population databases (gnomAD no frequency). This sequence change replaces lysine, which is basic and polar, with glutamic acid, which is acidic and polar, at codon 531 of the C2 protein (p.Lys531Glu).

NM_000063.6(C2):c.1591A>G (p.Lys531Glu)

Gene: C2 (complement C2; plus strand). Cytogenetic location: 6p21.33.
Variant type: single nucleotide variant.
Coding change: c.1591A>G on transcript NM_000063.6 (MANE Select); coding-DNA position 1591, A replaced by G.
Protein change: p.Lys531Glu; replaces lysine 531 with glutamic acid.
Molecular consequence: missense variant.
Genome position (GRCh38, 1-based): chr6:31,943,667, A>G. VCF-style: chr6-31943667-A-G. GRCh37 (hg19) VCF-style: chr6-31911444-A-G.
Other names: c.1195A>G, p.Lys399Glu (NM_001145903.3); c.949A>G, p.Lys317Glu (NM_001178063.3); c.853A>G, p.Lys285Glu (NM_001282457.2); c.1504A>G, p.Lys502Glu (NM_001282458.2); short protein forms K531E, K285E, K399E, K317E, K502E.
Identifiers: ClinVar variation 1424824 (VCV001424824.6), dbSNP rs2151772227, ClinGen allele CA363378546.
Genomic context (GRCh38, chr6:31,943,667, plus strand): 5'-AGCCCTGGTCTAGCCTAATCTAGTGTATCATTTCCAGGAGACCCCAAATCCCAGTGGGGC[A>G]AAGAATTCCTTATTGAGAAGGCGGTGATCTCCCCAGGGTTTGATGTCTTTGCCAAAAAGA-3'
Protein context (NP_000054.2, residues 521-541): NVGDPKSQWG[Lys531Glu]EFLIEKAVIS